The following is an entry in ClinVar:

ClinVar aggregate classification (germline): Uncertain significance (1 of 4 stars; one submission).

Conditions:
Anterior segment dysgenesis 7 (ASGD7). Also called: SCLEROCORNEA WITH OTHER OCULAR ANOMALIES; Anterior segment dysgenesis 7, with sclerocornea. Identifiers: Orphanet 289499, MedGen C3151617, MONDO:0010015, OMIM 269400.

Allele frequency attached by ClinVar (database versions not stated): TOPMed 0.00003; gnomAD 0.00004 and 0.00005.
gnomAD v4.1: 13 of 1,506,622 alleles (0.00086%); highest among the groups gnomAD compares: African/African-American, 0.017%; no homozygotes.

Submission:

Labcorp Genetics (formerly Invitae), Labcorp
Classification: Uncertain significance for Anterior segment dysgenesis 7. Last evaluated: 2019-12-15. Review status: criteria provided, single submitter. Criteria: Invitae Variant Classification Sherloc (09022015). Collection method: clinical testing. Allele origin: germline.
Comment: In summary, the available evidence is currently insufficient to determine the role of this variant in disease. Therefore, it has been classified as a Variant of Uncertain Significance. Algorithms developed to predict the effect of missense changes on protein structure and function output the following: SIFT: "Tolerated"; PolyPhen-2: "Benign"; Align-GVGD: "Class C0". The cysteine amino acid residue is found in multiple mammalian species, suggesting that this missense change does not adversely affect protein function. These predictions have not been confirmed by published functional studies and their clinical significance is uncertain. This variant has not been reported in the literature in individuals with PXDN-related conditions. The frequency data for this variant in the population databases is considered unreliable, as metrics indicate insufficient coverage at this position in the ExAC database. This sequence change replaces arginine with cysteine at codon 11 of the PXDN protein (p.Arg11Cys). The arginine residue is weakly conserved and there is a large physicochemical difference between arginine and cysteine.

NM_012293.3(PXDN):c.31C>T (p.Arg11Cys)

Gene: PXDN (peroxidasin; minus strand). Cytogenetic location: 2p25.3.
Variant type: single nucleotide variant.
Coding change: c.31C>T on transcript NM_012293.3 (MANE Select); coding-DNA position 31, C replaced by T.
Protein change: p.Arg11Cys; replaces arginine 11 with cysteine.
Molecular consequence: missense variant.
Genome position (GRCh38, 1-based): chr2:1,744,425, G>A on the plus strand (C>T on the coding strand, the complement: PXDN is on the minus strand). VCF-style: chr2-1744425-G-A. GRCh37 (hg19) VCF-style: chr2-1748197-G-A.
Other names: short protein forms R11C.
Identifiers: ClinVar variation 839270 (VCV000839270.9), dbSNP rs995348999, ClinGen allele CA41678821.
Genomic context (GRCh38, chr2:1,744,425, plus strand): 5'-TCTGGGCCACCACGGCCAGCGTCCCCCAGGCGCAGAACAGCACGAGCGCCAACAGGCAGC[G>A]GCGCCCGGGGCCCCTGGAGCGCTTGGCCATGGCCGACGGCGCGGACGGACGCTCGGACGC-3'
Protein context (NP_036425.1, residues 1-21): MAKRSRGPGR[Arg11Cys]CLLALVLFCA